The following is an entry in ClinVar:

ClinVar aggregate classification (germline): Uncertain significance (1 of 4 stars; one submission).

Conditions:
Lethal congenital glycogen storage disease of heart. Also called: GLYCOGEN STORAGE DISEASE OF HEART; PHOSPHORYLASE KINASE DEFICIENCY OF HEART. Identifiers: Orphanet 439854, MedGen C1849813, MONDO:0009867, OMIM 261740.

Submission:

Labcorp Genetics (formerly Invitae), Labcorp
Classification: Uncertain significance for Lethal congenital glycogen storage disease of heart. Last evaluated: 2025-07-23. Review status: criteria provided, single submitter. Criteria: Invitae Variant Classification Sherloc (09022015). Collection method: clinical testing. Allele origin: germline.
Comment: This sequence change replaces leucine, which is neutral and non-polar, with phenylalanine, which is neutral and non-polar, at codon 361 of the PRKAG2 protein (p.Leu361Phe). This variant is not present in population databases (gnomAD no frequency). This variant has not been reported in the literature in individuals affected with PRKAG2-related conditions. Invitae Evidence Modeling of protein sequence and biophysical properties (such as structural, functional, and spatial information, amino acid conservation, physicochemical variation, residue mobility, and thermodynamic stability) indicates that this missense variant is not expected to disrupt PRKAG2 protein function with a negative predictive value of 95%. In summary, the available evidence is currently insufficient to determine the role of this variant in disease. Therefore, it has been classified as a Variant of Uncertain Significance.

NM_016203.4(PRKAG2):c.1083A>C (p.Leu361Phe)

Gene: PRKAG2 (protein kinase AMP-activated non-catalytic subunit gamma 2; minus strand). Cytogenetic location: 7q36.1.
Variant type: single nucleotide variant.
Coding change: c.1083A>C on transcript NM_016203.4 (MANE Select); coding-DNA position 1083, A replaced by C.
Protein change: p.Leu361Phe; replaces leucine 361 with phenylalanine.
Molecular consequence: missense variant.
Genome position (GRCh38, 1-based): chr7:151,570,194, T>G on the plus strand (A>C on the coding strand, the complement: PRKAG2 is on the minus strand). VCF-style: chr7-151570194-T-G. GRCh37 (hg19) VCF-style: chr7-151267280-T-G.
Other names: c.951A>C, p.Leu317Phe (NM_001040633.2, NM_001407024.1); c.708A>C, p.Leu236Phe (NM_001304527.2, NM_001407029.1); c.360A>C, p.Leu120Phe (NM_001304531.2, NM_001407034.1, NM_001407035.1 and 1 more transcripts); c.711A>C, p.Leu237Phe (NM_001363698.2, NM_001407028.1); c.1083A>C, p.Leu361Phe (NM_001407021.1); c.1080A>C, p.Leu360Phe (NM_001407022.1, NM_001407023.1); c.948A>C, p.Leu316Phe (NM_001407026.1, NM_001407027.1); c.795A>C, p.Leu265Phe (NM_001407030.1); and 6 more; short protein forms L120F, L136F, L140F, L236F, L237F, L253F, L255F, L264F.
Identifiers: ClinVar variation 4802505 (VCV004802505.1).